The following is an entry in ClinVar:

NM_201548.5(CERKL):c.38_41dup (p.Glu14fs)

Genes: CERKL (CERK like autophagy regulator; minus strand), LOC129935215 (ATAC-STARR-seq lymphoblastoid silent region 12158; plus strand). Cytogenetic location: 2q31.3.
Variant type: Duplication.
Coding change: c.38_41dup on transcript NM_201548.5 (MANE Select); coding-DNA positions 38 to 41, 4 bases duplicated (TGGA; older notation c.38_41dupTGGA).
Protein change: p.Glu14fs; shifts the reading frame from glutamic acid 14.
Molecular consequence: frameshift variant. On other transcripts: non-coding transcript variant (2).
Genome position (GRCh38, 1-based): chr2:181,656,966-181,656,969, TCCA duplicated on the plus strand (TGGA on the coding strand, the reverse complement: CERKL is on the minus strand). VCF-style (leftmost placement, unchanged base first): chr2-181656965-C-CTCCA. GRCh37 (hg19) VCF-style: chr2-182521692-C-CTCCA.
Other names: c.38_41dup, p.Glu14fs (NM_001030311.3, NM_001030312.3, NM_001030313.3 and 1 more transcripts); c.38_41dup, p.Glu14Aspfs (NM_001030314.1, NM_001030315.1); short protein forms E14fs.
Identifiers: ClinVar variation 2751346 (VCV002751346.3), dbSNP rs2468583768, ClinGen allele CA2697551429.

ClinVar aggregate classification (germline): Pathogenic (1 of 4 stars; one submission).

Submission:

Labcorp Genetics (formerly Invitae), Labcorp
Classification: Pathogenic. Last evaluated: 2023-08-09. Review status: criteria provided, single submitter. Criteria: Invitae Variant Classification Sherloc (09022015). Collection method: clinical testing. Allele origin: germline.
Comment: This sequence change creates a premature translational stop signal (p.Glu14Aspfs*48) in the CERKL gene. It is expected to result in an absent or disrupted protein product. Loss-of-function variants in CERKL are known to be pathogenic (PMID: 14681825, 23591405, 24043777). This variant is not present in population databases (gnomAD no frequency). This variant has not been reported in the literature in individuals affected with CERKL-related conditions. For these reasons, this variant has been classified as Pathogenic.

Literature cited by the submitters: PubMed 14681825; PubMed 23591405; PubMed 24043777.